The following is an entry in ClinVar:

ClinVar aggregate classification (germline): Pathogenic (1 of 4 stars; one submission).

Conditions:
Mosaic variegated aneuploidy syndrome 1 (MVA1). Also called: Warburton-Anyane-Yeboa syndrome. Identifiers: Orphanet 1052, MedGen C1850343, MONDO:0009759, OMIM 257300.

Allele frequency attached by ClinVar (database versions not stated): gnomAD exomes below 0.00001.

Submission:

Labcorp Genetics (formerly Invitae), Labcorp
Classification: Pathogenic for Mosaic variegated aneuploidy syndrome 1. Last evaluated: 2022-01-11. Review status: criteria provided, single submitter. Criteria: Invitae Variant Classification Sherloc (09022015). Collection method: clinical testing. Allele origin: germline.
Comment: This variant has not been reported in the literature in individuals affected with BUB1B-related conditions. For these reasons, this variant has been classified as Pathogenic. This variant is not present in population databases (gnomAD no frequency). This sequence change creates a premature translational stop signal (p.Thr291Glnfs*6) in the BUB1B gene. It is expected to result in an absent or disrupted protein product. Loss-of-function variants in BUB1B are known to be pathogenic (PMID: 15475955, 21190457).

Literature cited by the submitters: PubMed 15475955; PubMed 21190457.

NM_001211.6(BUB1B):c.871del (p.Thr291fs)

Gene: BUB1B (BUB1 mitotic checkpoint serine/threonine kinase B; plus strand). Cytogenetic location: 15q15.1.
Variant type: Deletion.
Coding change: c.871del on transcript NM_001211.6 (MANE Select); coding-DNA position 871, one base deleted (A; older notation c.871delA).
Protein change: p.Thr291fs; shifts the reading frame from threonine 291.
Molecular consequence: frameshift variant.
Genome position (GRCh38, 1-based): chr15:40,185,284, A deleted. VCF-style (leftmost placement, unchanged base first): chr15-40185283-TA-T. GRCh37 (hg19) VCF-style: chr15-40477484-TA-T.
Other names: short protein forms T291fs.
Identifiers: ClinVar variation 2152812 (VCV002152812.4), dbSNP rs2542535564, ClinGen allele CA2580089357.
Genomic context (GRCh38, chr15:40,185,283, plus strand): 5'-TAGAATTACTGTTTTTGATGAAAATGCTGATGAGGCTTCTACAGCAGAGTTGTCTAAGCC[TA>T]CAGTCCAGCCATGGATAGCACCCCCCATGCCCAGGGCCAAAGAGAATGAGCTGCAAGCAG-3'